The following is an entry in ClinVar:

NM_003872.3(NRP2):c.165C>T (p.Cys55=)

Gene: NRP2 (neuropilin 2; plus strand). Cytogenetic location: 2q33.3.
Variant type: single nucleotide variant.
Coding change: c.165C>T on transcript NM_003872.3 (MANE Select); coding-DNA position 165, C replaced by T.
Protein change: p.Cys55=; no amino-acid change (cysteine 55 retained).
Molecular consequence: synonymous variant.
Genome position (GRCh38, 1-based): chr2:205,697,635, C>T. VCF-style: chr2-205697635-C-T. GRCh37 (hg19) VCF-style: chr2-206562359-C-T.
Other names: c.165C>T, p.Cys55= (NM_018534.4, NM_201264.2, NM_201266.2 and 2 more transcripts).
Identifiers: ClinVar variation 3358575 (VCV003358575.1).

ClinVar aggregate classification (germline): Likely benign (0 of 4 stars; one submission).

Conditions:
NRP2-related disorder. Also called: NRP2-related condition.

gnomAD v4.1: 31 of 1,613,992 alleles (0.0019%); highest among the groups gnomAD compares: South Asian, 0.014%; no homozygotes.

Submission:

PreventionGenetics, part of Exact Sciences
Classification: Likely benign for NRP2-related condition. Last evaluated: 2024-08-06. Review status: no assertion criteria provided. Collection method: clinical testing. Allele origin: germline.
Comment: This variant is classified as likely benign based on ACMG/AMP sequence variant interpretation guidelines (Richards et al. 2015 PMID: 25741868, with internal and published modifications).